The following is an entry in ClinVar:

ClinVar aggregate classification (germline): Likely benign (1 of 4 stars; one submission).

Allele frequency attached by ClinVar (database versions not stated): gnomAD exomes 0.00003; gnomAD 0.00024 and 0.00026; TOPMed 0.00025.
gnomAD v4.1: 46 of 398,892 alleles (0.012%); highest among the groups gnomAD compares: African/African-American, 0.072%; no homozygotes.

Submission:

GeneDx
Classification: Likely benign. Last evaluated: 2016-02-08. Review status: criteria provided, single submitter. Criteria: GeneDx Variant Classification (06012015). Collection method: clinical testing. Allele origin: germline. Affected: yes.
Comment: This variant is considered likely benign or benign based on one or more of the following criteria: it is a conservative change, it occurs at a poorly conserved position in the protein, it is predicted to be benign by multiple in silico algorithms, and/or has population frequency not consistent with disease.

NC_000016.10:g.30054945G>C

Genes: ALDOA (aldolase, fructose-bisphosphate A; plus strand), LOC112694756 (uncharaterized LOC112694756; plus strand). Cytogenetic location: 16p11.2.
Variant type: single nucleotide variant.
Molecular consequence: intron variant (on NM_001365304.2).
Genome position: GRCh38 VCF-style: chr16-30054945-G-C. GRCh37 (hg19) VCF-style: chr16-30066266-G-C.
Other names: c.150+18G>C (NM_001365307.2, NM_001365304.2); c.7-227G>C (NM_001365305.2).
Identifiers: ClinVar variation 382104 (VCV000382104.1), dbSNP rs914905804, ClinGen allele CA16607401.